The following is an entry in ClinVar:

NM_001371623.1(TCOF1):c.2859+6A>G

Gene: TCOF1 (treacle ribosome biogenesis factor 1; plus strand). Cytogenetic location: 5q32.
Variant type: single nucleotide variant.
Coding change: c.2859+6A>G on transcript NM_001371623.1 (MANE Select); 6 bases into the intron after coding-DNA position 2859, A replaced by G.
Molecular consequence: intron variant.
Genome position (GRCh38, 1-based): chr5:150,379,738, A>G. VCF-style: chr5-150379738-A-G. GRCh37 (hg19) VCF-style: chr5-149759301-A-G.
Other names: c.2859+6A>G (NM_001135243.2, NM_001135244.2, NM_001195141.2 and 1 more transcripts); c.2628+6A>G (NM_001135245.2, NM_000356.4).
Identifiers: ClinVar variation 2655928 (VCV002655928.24), dbSNP rs981874282, ClinGen allele CA129140148.
Genomic context (GRCh38, chr5:150,379,738, plus strand): 5'-CAGCGAGGAATCAGACAGTGATGGGGAGGCACCGGCAGCTGTGACCTCTGCCCAGGTAAG[A>G]CTTGCCAGGCCTCTGAGCCACCAACACTCACTCCTCAGAACGGGGGTATAGGGCTGGGCG-3'

ClinVar aggregate classification (germline): Likely benign (1 of 4 stars; one submission).

Allele frequency attached by ClinVar (database versions not stated): gnomAD 0.00003; TOPMed 0.00003; gnomAD exomes 0.00001.
gnomAD v4.1: 18 of 1,613,310 alleles (0.0011%); highest among the groups gnomAD compares: Admixed American, 0.0017%; no homozygotes.

Submission:

CeGaT Center for Human Genetics Tuebingen
Classification: Likely benign. Last evaluated: 2023-02-01. Review status: criteria provided, single submitter. Criteria: CeGaT Center For Human Genetics Tuebingen Variant Classification Criteria Version 2. Collection method: clinical testing. Allele origin: germline. Affected: yes. Observed: 1 variant allele.
Comment: TCOF1: BP4